The following is an entry in ClinVar:

NM_005188.4(CBL):c.869+18A>G

Gene: CBL (Cbl proto-oncogene; plus strand). Cytogenetic location: 11q23.3.
Variant type: single nucleotide variant.
Coding change: c.869+18A>G on transcript NM_005188.4 (MANE Select); 18 bases into the intron after coding-DNA position 869, A replaced by G.
Molecular consequence: intron variant.
Genome position (GRCh38, 1-based): chr11:119,274,971, A>G. VCF-style: chr11-119274971-A-G. GRCh37 (hg19) VCF-style: chr11-119145681-A-G.
Identifiers: ClinVar variation 511153 (VCV000511153.5), dbSNP rs1432059209, ClinGen allele CA602194088.

ClinVar aggregate classification (germline): Likely benign. Review status: criteria provided, multiple submitters, no conflicts (2 of 4 stars). 2 submissions from 2 submitters: Likely benign (2). Last evaluated 2025-04-17.

Conditions:
RASopathy. Also called: Noonan spectrum disorder; rasopathies. Identifiers: Orphanet 536391, MedGen C5555857, MONDO:0021060.

Allele frequency attached by ClinVar (database versions not stated): gnomAD exomes below 0.00001 and 0.00003; TOPMed 0.00001.
gnomAD v4.1: 37 of 1,609,420 alleles (0.0023%); highest among the groups gnomAD compares: Non-Finnish European, 0.0031%; no homozygotes.

Submissions (2):

Labcorp Genetics (formerly Invitae), Labcorp
Classification: Likely benign for RASopathy. Last evaluated: 2025-04-17. Review status: criteria provided, single submitter. Criteria: Invitae Variant Classification Sherloc (09022015). Collection method: clinical testing. Allele origin: germline.

GeneDx
Classification: Likely benign. Last evaluated: 2017-07-27. Review status: criteria provided, single submitter. Criteria: GeneDx Variant Classification (06012015). Collection method: clinical testing. Allele origin: germline. Affected: yes.
Comment: This variant is considered likely benign or benign based on one or more of the following criteria: it is a conservative change, it occurs at a poorly conserved position in the protein, it is predicted to be benign by multiple in silico algorithms, and/or has population frequency not consistent with disease.